The following is an entry in ClinVar:

ClinVar aggregate classification (germline): Benign (0 of 4 stars; one submission).

Conditions:
TTC21A-related disorder. Also called: TTC21A-related condition.

Allele frequency attached by ClinVar (database versions not stated): ExAC 0.00126; ESP Exome Variant Server 0.00384; TOPMed 0.00437; 1000 Genomes Project 0.00599; 1000 Genomes Project 30x 0.00640.

Submission:

PreventionGenetics, part of Exact Sciences
Classification: Benign for TTC21A-related condition. Last evaluated: 2019-12-03. Review status: no assertion criteria provided. Collection method: clinical testing. Allele origin: germline.
Comment: This variant is classified as benign based on ACMG/AMP sequence variant interpretation guidelines (Richards et al. 2015 PMID: 25741868, with internal and published modifications).

NM_001366900.1(TTC21A):c.2676C>T (p.Tyr892=)

Gene: TTC21A (tetratricopeptide repeat domain 21A; plus strand). Cytogenetic location: 3p22.2.
Variant type: single nucleotide variant.
Coding change: c.2676C>T on transcript NM_001366900.1 (MANE Select); coding-DNA position 2676, C replaced by T.
Protein change: p.Tyr892=; no amino-acid change (tyrosine 892 retained).
Molecular consequence: synonymous variant. On other transcripts: non-coding transcript variant (3).
Genome position (GRCh38, 1-based): chr3:39,133,165, C>T. VCF-style: chr3-39133165-C-T. GRCh37 (hg19) VCF-style: chr3-39174656-C-T.
Other names: c.2553C>T, p.Tyr851= (NM_001105513.3); c.2700C>T, p.Tyr900= (NM_001366899.1); c.2697C>T, p.Tyr899= (NM_145755.3).
Identifiers: ClinVar variation 3039304 (VCV003039304.2), dbSNP rs76997712, ClinGen allele CA2324759.